The following is an entry in ClinVar:

ClinVar aggregate classification (germline): Likely benign. Review status: criteria provided, multiple submitters, no conflicts (2 of 4 stars). 5 submissions from 5 submitters: Likely benign (5). Last evaluated 2026-01-12.

Conditions:
Progressive myoclonic epilepsy. Also called: Familial progressive myoclonic epilepsy; Myoclonic Epilepsies, Progressive; Myoclonus epilepsy; Progressive myoclonus epilepsy. Identifiers: Orphanet 308, Orphanet 98261, MedGen C0751778, MONDO:0020074.

Allele frequency attached by ClinVar (database versions not stated): ExAC 0.00002; TOPMed 0.00002; gnomAD exomes 0.00004.
gnomAD v4.1: 24 of 1,612,656 alleles (0.0015%); highest among the groups gnomAD compares: East Asian, 0.0022%; no homozygotes.

Submissions (5):

Labcorp Genetics (formerly Invitae), Labcorp
Classification: Likely benign for Progressive myoclonic epilepsy. Last evaluated: 2026-01-12. Review status: criteria provided, single submitter. Criteria: Invitae Variant Classification Sherloc (09022015). Collection method: clinical testing. Allele origin: germline.

Blueprint Genetics
Classification: Likely benign. Last evaluated: 2024-11-04. Review status: criteria provided, single submitter. Criteria: ACMG Guidelines, 2015. Collection method: clinical testing. Allele origin: germline.

GeneDx
Classification: Likely benign. Last evaluated: 2016-05-12. Review status: criteria provided, single submitter. Criteria: GeneDx Variant Classification (06012015). Collection method: clinical testing. Allele origin: germline. Affected: yes.
Comment: This variant is considered likely benign or benign based on one or more of the following criteria: it is a conservative change, it occurs at a poorly conserved position in the protein, it is predicted to be benign by multiple in silico algorithms, and/or has population frequency not consistent with disease.

Breakthrough Genomics
Classification: Likely benign. Review status: criteria provided, single submitter. Criteria: ACMG Guidelines, 2015. Collection method: not provided. Allele origin: germline. Inheritance: Autosomal recessive inheritance. Affected: yes.

PreventionGenetics, part of Exact Sciences
Classification: Likely benign. Review status: criteria provided, single submitter. Criteria: ACMG Guidelines, 2015. Collection method: clinical testing. Allele origin: germline.

NM_004287.5(GOSR2):c.405C>T (p.Asn135=)

Genes: GOSR2 (golgi SNAP receptor complex member 2; plus strand), LRRC37A2 (leucine rich repeat containing 37 member A2). Cytogenetic location: 17q21.32.
Variant type: single nucleotide variant.
Coding change: c.405C>T on transcript NM_004287.5 (MANE Select); coding-DNA position 405, C replaced by T.
Protein change: p.Asn135=; no amino-acid change (asparagine 135 retained).
Molecular consequence: synonymous variant. On other transcripts: non-coding transcript variant (1), intron variant (4).
Genome position (GRCh38, 1-based): chr17:46,935,097, C>T. VCF-style: chr17-46935097-C-T. GRCh37 (hg19) VCF-style: chr17-45012463-C-T.
Other names: c.405C>T, p.Asn135= (NM_001012511.3, NM_001321133.2, NM_054022.4); c.402C>T, p.Asn134= (NM_001353114.2); c.351C>T, p.Asn117= (NM_001363851.2); c.282+2898C>T (NM_001321134.2); c.336+2898C>T (NM_001330252.2); c.333+2898C>T (NM_001353115.2, NM_001353116.2).
Identifiers: ClinVar variation 259264 (VCV000259264.11), dbSNP rs753166413, ClinGen allele CA8621291.
Genomic context (GRCh38, chr17:46,935,097, plus strand): 5'-CACCACCATACCAATGGACGAATCACTGCAGTTTAACTCCTCCCTCCAGAAAGTTCACAA[C>T]GGCATGGATGACCTCATTTTAGATGGGCACAATATTTTAGATGGACTGAGGACCCAGAGA-3'
Protein context (NP_004278.2, residues 125-145): QFNSSLQKVH[Asn135=]GMDDLILDGH